The following is an entry in ClinVar:

NM_001009944.3(PKD1):c.8498C>T (p.Pro2833Leu)

Gene: PKD1 (polycystin 1, transient receptor potential channel interacting; minus strand). Cytogenetic location: 16p13.3.
Variant type: single nucleotide variant.
Coding change: c.8498C>T on transcript NM_001009944.3 (MANE Select); coding-DNA position 8498, C replaced by T.
Protein change: p.Pro2833Leu; replaces proline 2833 with leucine.
Molecular consequence: missense variant.
Genome position (GRCh38, 1-based): chr16:2,103,559, G>A on the plus strand (C>T on the coding strand, the complement: PKD1 is on the minus strand). VCF-style: chr16-2103559-G-A. GRCh37 (hg19) VCF-style: chr16-2153560-G-A.
Other names: c.8498C>T, p.Pro2833Leu (NM_000296.4); short protein forms P2833L.
Identifiers: ClinVar variation 3579174 (VCV003579174.5).

ClinVar aggregate classification (germline): Conflicting classifications of pathogenicity. Review status: criteria provided, conflicting classifications (1 of 4 stars). 5 submissions from 5 submitters: Likely pathogenic (2); Uncertain significance (3). Last evaluated 2026-02-11.

Conditions:
PKD1-related disorder. Also called: PKD1-related condition.
Polycystic kidney disease, adult type (PKD1). Also called: Polycystic Kidney Disease 1, Autosomal Dominant; Polycystic kidney disease 1; Polycystic kidney disease 1, severe; Polycystic Kidney, Autosomal Dominant; POLYCYSTIC KIDNEY DISEASE, ADULT, TYPE I; POLYCYSTIC KIDNEY DISEASE 1 WITH OR WITHOUT POLYCYSTIC LIVER DISEASE. Identifiers: MedGen C3149841, MONDO:0008263, OMIM 173900.

Submissions (5):

PreventionGenetics, part of Exact Sciences
Classification: Uncertain significance for PKD1-related condition. Last evaluated: 2026-02-11. Review status: criteria provided, single submitter. Criteria: ACMG Guidelines, 2015. Collection method: clinical testing. Allele origin: germline.
Comment: The PKD1 c.8498C>T variant is predicted to result in the amino acid substitution p.Pro2833Leu. To our knowledge, this variant has not been reported in the literature. This variant is reported in 0.011% of alleles in individuals of African descent in gnomAD (v2.1.1). Of note, different substitutions at the same codon have been reported in individuals with cystic kidneys (p.Pro2833His in Supplement Table 5, Bekheirnia et al. 2021. PubMed ID: 35368817; p.Pro2833Ser in Supplementary Table 1, Audrézet et al. 2016. PubMed ID: 26139440). Although we suspect that the c.8498C>T (p.Pro2833Leu) variant may be pathogenic, at this time, the clinical significance of this variant is uncertain due to the absence of conclusive functional and genetic evidence.

Women's Health and Genetics/Laboratory Corporation of America, LabCorp
Classification: Uncertain significance. Last evaluated: 2025-09-16. Review status: criteria provided, single submitter. Criteria: LabCorp Variant Classification Summary - May 2015. Collection method: clinical testing. Allele origin: germline.
Comment: Variant summary: PKD1 c.8498C>T (p.Pro2833Leu) results in a non-conservative amino acid change in the encoded protein sequence. Algorithms developed to predict the effect of missense changes on protein structure and function are either unavailable or do not agree on the potential impact of this missense change. The variant was absent in 246548 control chromosomes. The available data on variant occurrences in the general population are insufficient to allow any conclusion about variant significance. To our knowledge, no occurrence of c.8498C>T in individuals affected with PKD1-related conditions and no experimental evidence demonstrating its impact on protein function have been reported. ClinVar contains an entry for this variant (Variation ID: 3579174). Based on the evidence outlined above, the variant was classified as uncertain significance.

GeneDx
Classification: Uncertain significance. Last evaluated: 2024-08-22. Review status: criteria provided, single submitter. Criteria: GeneDx Variant Classification Process June 2021. Collection method: clinical testing. Allele origin: germline. Affected: yes.
Comment: Not observed at significant frequency in large population cohorts (gnomAD); In silico analysis supports that this missense variant has a deleterious effect on protein structure/function; Has not been previously published as pathogenic or benign to our knowledge

Fulgent Genetics
Classification: Likely pathogenic for Polycystic kidney disease, adult type. Last evaluated: 2024-01-18. Review status: criteria provided, single submitter. Criteria: ACMG Guidelines, 2015. Collection method: clinical testing. Allele origin: germline.

Blueprint Genetics
Classification: Likely pathogenic for PKD1-related disorders. Last evaluated: 2022-01-24. Review status: criteria provided, single submitter. Criteria: ACMG Guidelines, 2015. Collection method: clinical testing. Allele origin: germline. Affected: yes. Observed: 1 variant allele.